The following is an entry in ClinVar:

NM_015295.3(SMCHD1):c.1186C>T (p.Gln396Ter)

Gene: SMCHD1 (structural maintenance of chromosomes flexible hinge domain containing 1; plus strand). Cytogenetic location: 18p11.32.
Variant type: single nucleotide variant.
Coding change: c.1186C>T on transcript NM_015295.3 (MANE Select); coding-DNA position 1186, C replaced by T.
Protein change: p.Gln396Ter; replaces glutamine 396 with a stop codon.
Molecular consequence: nonsense.
Genome position (GRCh38, 1-based): chr18:2,697,885, C>T. VCF-style: chr18-2697885-C-T. GRCh37 (hg19) VCF-style: chr18-2697883-C-T.
Other names: c.1186C>T (NM_015295.2); short protein forms Q396*.
Identifiers: ClinVar variation 595554 (VCV000595554.12), dbSNP rs377471712, ClinGen allele CA401697129.

ClinVar aggregate classification (germline): Pathogenic. Review status: criteria provided, multiple submitters, no conflicts (2 of 4 stars). 3 submissions from 3 submitters: Pathogenic (3). Last evaluated 2023-11-10.

Conditions:
Facioscapulohumeral muscular dystrophy 2 (FSHD2). Also called: MUSCULAR DYSTROPHY, FACIOSCAPULOHUMERAL, TYPE 1B; FACIOSCAPULOHUMERAL MUSCULAR DYSTROPHY 2, DIGENIC; FSHD2, DIGENIC. Identifiers: Orphanet 269, MedGen C1834671, MONDO:0008031, OMIM 158901.

Submissions (3):

Revvity Omics, Revvity
Classification: Pathogenic. Last evaluated: 2023-11-10. Review status: criteria provided, single submitter. Criteria: ACMG Guidelines, 2015. Collection method: clinical testing. Allele origin: germline.

Labcorp Genetics (formerly Invitae), Labcorp
Classification: Pathogenic for Facioscapulohumeral muscular dystrophy 2. Last evaluated: 2022-04-07. Review status: criteria provided, single submitter. Criteria: Invitae Variant Classification Sherloc (09022015). Collection method: clinical testing. Allele origin: germline.
Comment: For these reasons, this variant has been classified as Pathogenic. ClinVar contains an entry for this variant (Variation ID: 595554). This premature translational stop signal has been observed in individual(s) with fascioscapulohumeral muscular dystrophy (PMID: 31243061). This variant is not present in population databases (gnomAD no frequency). This sequence change creates a premature translational stop signal (p.Gln396*) in the SMCHD1 gene. It is expected to result in an absent or disrupted protein product. Loss-of-function variants in SMCHD1 are known to be pathogenic (PMID: 23143600).

Eurofins Ntd Llc (ga)
Classification: Pathogenic. Last evaluated: 2017-12-28. Review status: criteria provided, single submitter. Criteria: EGL Classification Definitions 2015. Collection method: clinical testing. Allele origin: germline. Observed: 1 variant allele, 1 heterozygote.

Literature cited by the submitters: PubMed 31243061 (cited by Labcorp Genetics (formerly Invitae), Labcorp); PubMed 23143600 (cited by Labcorp Genetics (formerly Invitae), Labcorp).